The following is an entry in ClinVar:

NM_052947.4(ALPK2):c.556A>C (p.Ser186Arg)

Gene: ALPK2 (alpha kinase 2; minus strand). Cytogenetic location: 18q21.31.
Variant type: single nucleotide variant.
Coding change: c.556A>C on transcript NM_052947.4 (MANE Select); coding-DNA position 556, A replaced by C.
Protein change: p.Ser186Arg; replaces serine 186 with arginine.
Molecular consequence: missense variant.
Genome position (GRCh38, 1-based): chr18:58,580,220, T>G on the plus strand (A>C on the coding strand, the complement: ALPK2 is on the minus strand). VCF-style: chr18-58580220-T-G. GRCh37 (hg19) VCF-style: chr18-56247452-T-G.
Other names: short protein forms S186R.
Identifiers: ClinVar variation 3530304 (VCV003530304.1).

ClinVar aggregate classification (germline): Uncertain significance (1 of 4 stars; one submission).

Submission:

Ambry Genetics
Classification: Uncertain significance. Last evaluated: 2024-06-30. Review status: criteria provided, single submitter. Criteria: Ambry Variant Classification Scheme 2023. Collection method: clinical testing. Allele origin: germline.
Comment: The p.S186R variant (also known as c.556A>C), located in coding exon 3 of the ALPK2 gene, results from an A to C substitution at nucleotide position 556. The serine at codon 186 is replaced by arginine, an amino acid with dissimilar properties. This amino acid position is conserved. In addition, this alteration is predicted to be tolerated by in silico analysis. Based on the available evidence, the clinical significance of this variant remains unclear.